The following is an entry in ClinVar:

ClinVar aggregate classification (germline): Uncertain significance (1 of 4 stars; one submission).

Conditions:
Methylmalonic acidemia with homocystinuria, type cblX (MAHCX). Also called: INTELLECTUAL DEVELOPMENTAL DISORDER, X-LINKED 3. Identifiers: Orphanet 369962, MedGen C0796208, MONDO:0010657, OMIM 309541.

Submission:

Labcorp Genetics (formerly Invitae), Labcorp
Classification: Uncertain significance for Methylmalonic acidemia with homocystinuria, type cblX. Last evaluated: 2021-10-19. Review status: criteria provided, single submitter. Criteria: Invitae Variant Classification Sherloc (09022015). Collection method: clinical testing. Allele origin: germline.
Comment: In summary, the available evidence is currently insufficient to determine the role of this variant in disease. Therefore, it has been classified as a Variant of Uncertain Significance. Algorithms developed to predict the effect of missense changes on protein structure and function are either unavailable or do not agree on the potential impact of this missense change (SIFT: "Deleterious"; PolyPhen-2: "Probably Damaging"; Align-GVGD: "Class C0"). This variant has not been reported in the literature in individuals affected with HCFC1-related conditions. This variant is not present in population databases (ExAC no frequency). This sequence change replaces valine with methionine at codon 387 of the HCFC1 protein (p.Val387Met). The valine residue is highly conserved and there is a small physicochemical difference between valine and methionine.

NM_005334.3(HCFC1):c.1159G>A (p.Val387Met)

Gene: HCFC1 (host cell factor C1; minus strand). Cytogenetic location: Xq28.
Variant type: single nucleotide variant.
Coding change: c.1159G>A on transcript NM_005334.3 (MANE Select); coding-DNA position 1159, G replaced by A.
Protein change: p.Val387Met; replaces valine 387 with methionine.
Molecular consequence: missense variant.
Genome position (GRCh38, 1-based): chrX:153,960,087, C>T on the plus strand (G>A on the coding strand, the complement: HCFC1 is on the minus strand). VCF-style: chrX-153960087-C-T. GRCh37 (hg19) VCF-style: chrX-153225538-C-T.
Other names: short protein forms V387M.
Identifiers: ClinVar variation 1387891 (VCV001387891.6), dbSNP rs782132752, ClinGen allele CA415143417.
Genomic context (GRCh38, chrX:153,960,087, plus strand): 5'-CAGCCGTGGCAGGAATGTCATATTTCTGGAGCTGGAGAAGGTAGCTGTCGGCTGTTGCCA[C>T]TGCCCCCCAGCTCACCTCCAGGGAGTTGGTGTTGGCGCGTACCAGTTGTACTCGGGCTGG-3'
Protein context (NP_005325.2, residues 377-397): TNSLEVSWGA[Val387Met]ATADSYLLQL